The following is an entry in ClinVar:

NM_000548.5(TSC2):c.1948G>T (p.Glu650Ter)

Gene: TSC2 (TSC complex subunit 2; plus strand). Cytogenetic location: 16p13.3.
Variant type: single nucleotide variant.
Coding change: c.1948G>T on transcript NM_000548.5 (MANE Select); coding-DNA position 1948, G replaced by T.
Protein change: p.Glu650Ter; replaces glutamic acid 650 with a stop codon.
Molecular consequence: nonsense.
Genome position (GRCh38, 1-based): chr16:2,071,785, G>T. VCF-style: chr16-2071785-G-T. GRCh37 (hg19) VCF-style: chr16-2121786-G-T.
Other names: c.1948G>T, p.Glu650Ter (NM_001077183.3, NM_001114382.3, NM_001363528.2 and 3 more transcripts); c.1837G>T, p.Glu613Ter (NM_001318827.2); c.1801G>T, p.Glu601Ter (NM_001318829.2); c.1348G>T, p.Glu450Ter (NM_001318831.2); c.1981G>T, p.Glu661Ter (NM_001318832.2); short protein forms E450*, E601*, E613*, E650*, E661*.
Identifiers: ClinVar variation 1076299 (VCV001076299.9), dbSNP rs2151303613, ClinGen allele CA394273555.

ClinVar aggregate classification (germline): Pathogenic (1 of 4 stars; one submission).

Conditions:
Tuberous sclerosis 2 (TSC2). Identifiers: Orphanet 805, MedGen C1860707, MONDO:0013199, OMIM 613254.

Submission:

Labcorp Genetics (formerly Invitae), Labcorp
Classification: Pathogenic for Tuberous sclerosis 2. Last evaluated: 2020-03-17. Review status: criteria provided, single submitter. Criteria: Invitae Variant Classification Sherloc (09022015). Collection method: clinical testing. Allele origin: germline.
Comment: For these reasons, this variant has been classified as Pathogenic. Loss-of-function variants in TSC2 are known to be pathogenic (PMID: 10205261, 17304050). Algorithms developed to predict the effect of sequence changes on RNA splicing suggest that this variant may create or strengthen a splice site, but this prediction has not been confirmed by published transcriptional studies. This variant has been reported in individuals in the Leiden Open-source Variation Database (PMID: 21520333). This variant is not present in population databases (ExAC no frequency). This sequence change creates a premature translational stop signal (p.Glu650*) in the TSC2 gene. It is expected to result in an absent or disrupted protein product.

Literature cited by the submitters: PubMed 10205261; PubMed 17304050; PubMed 21520333.